The following is an entry in ClinVar:

ClinVar aggregate classification (germline): Uncertain significance (1 of 4 stars; one submission).

Submission:

GeneDx
Classification: Uncertain significance. Last evaluated: 2022-12-21. Review status: criteria provided, single submitter. Criteria: GeneDx Variant Classification Process June 2021. Collection method: clinical testing. Allele origin: germline. Affected: yes.
Comment: Not observed at significant frequency in large population cohorts (gnomAD); In silico analysis supports that this missense variant does not alter protein structure/function; Has not been previously published as pathogenic or benign to our knowledge

NM_001927.4(DES):c.119T>C (p.Phe40Ser)

Gene: DES (desmin; plus strand). Cytogenetic location: 2q35.
Variant type: single nucleotide variant.
Coding change: c.119T>C on transcript NM_001927.4 (MANE Select); coding-DNA position 119, T replaced by C.
Protein change: p.Phe40Ser; replaces phenylalanine 40 with serine.
Molecular consequence: missense variant.
Genome position (GRCh38, 1-based): chr2:219,418,581, T>C. VCF-style: chr2-219418581-T-C. GRCh37 (hg19) VCF-style: chr2-220283303-T-C.
Other names: c.119T>C, p.Phe40Ser (NM_001382708.1, NM_001382709.1, NM_001382710.1 and 3 more transcripts); short protein forms F40S.
Identifiers: ClinVar variation 2506834 (VCV002506834.1), dbSNP rs2545246010, ClinGen allele CA350683030.
Genomic context (GRCh38, chr2:219,418,581, plus strand): 5'-GGGCCCCGGGCTTCCCACTCGGCTCCCCGCTGAGTTCGCCCGTGTTCCCGCGGGCGGGTT[T>C]CGGCTCTAAGGGCTCCTCCAGCTCGGTGACGTCCCGCGTGTACCAGGTGTCGCGCACGTC-3'
Protein context (NP_001918.3, residues 30-50): LSSPVFPRAG[Phe40Ser]GSKGSSSSVT